The following is an entry in ClinVar:

NM_001270508.2(TNFAIP3):c.742A>G (p.Ile248Val)

Genes: TNFAIP3 (TNF alpha induced protein 3; plus strand), LOC126859807 (MED14-independent group 3 enhancer GRCh37_chr6:138196296-138197495; plus strand). Cytogenetic location: 6q23.3.
Variant type: single nucleotide variant.
Coding change: c.742A>G on transcript NM_001270508.2 (MANE Select); coding-DNA position 742, A replaced by G.
Protein change: p.Ile248Val; replaces isoleucine 248 with valine.
Molecular consequence: missense variant.
Genome position (GRCh38, 1-based): chr6:137,876,103, A>G. VCF-style: chr6-137876103-A-G. GRCh37 (hg19) VCF-style: chr6-138197240-A-G.
Other names: c.742A>G, p.Ile248Val (NM_001270507.2, NM_006290.4); short protein forms I248V.
Identifiers: ClinVar variation 135336 (VCV000135336.14), dbSNP rs587778711, ClinGen allele CA162419.
Genomic context (GRCh38, chr6:137,876,103, plus strand): 5'-AAAGTGGGTGGAATTTACTTGCCTCTCCACTGGCCTGCCCAGGAATGCTACAGATACCCC[A>G]TTGTTCTCGGCTATGACAGCCATCATTTTGTACCCTTGGTGACCCTGAAGGACAGTGGGC-3'
Protein context (NP_001257437.1, residues 238-258): WPAQECYRYP[Ile248Val]VLGYDSHHFV

ClinVar aggregate classification (germline): Conflicting classifications of pathogenicity. Review status: criteria provided, conflicting classifications (1 of 4 stars). 4 submissions from 4 submitters: Uncertain significance (2); Likely benign (1). 1 of the submissions does not count toward it. Last evaluated 2026-01-12.

Conditions:
Autoinflammatory syndrome, familial, Behcet-like. Identifiers: MedGen CN234876, MONDO:0031384.

Allele frequency attached by ClinVar (database versions not stated): TOPMed 0.00004; ExAC 0.00005; gnomAD exomes 0.00006; gnomAD 0.00007.

Submissions (4):

Women's Health and Genetics/Laboratory Corporation of America, LabCorp
Classification: Likely benign. Last evaluated: 2026-01-12. Review status: criteria provided, single submitter. Criteria: LabCorp Variant Classification Summary - May 2015. Collection method: clinical testing. Allele origin: germline.
Comment: Variant summary: TNFAIP3 c.742A>G (p.Ile248Val) results in a conservative amino acid change in the encoded protein sequence. Algorithms developed to predict the effect of missense changes on protein structure and function are either unavailable or do not agree on the potential impact of this missense change. The variant allele was found at a frequency of 5.6e-05 in 251446 control chromosomes. The observed variant frequency exceeds the estimated maximal expected allele frequency for disease-causing variants in TNFAIP3. To our knowledge, no occurrence of c.742A>G in individuals affected with TNFAIP3-related conditions and no experimental evidence demonstrating its impact on protein function have been reported. ClinVar contains an entry for this variant (Variation ID: 135336). Based on the evidence outlined above, the variant was classified as likely benign.

Labcorp Genetics (formerly Invitae), Labcorp
Classification: Uncertain significance. Last evaluated: 2025-12-19. Review status: criteria provided, single submitter. Criteria: Invitae Variant Classification Sherloc (09022015). Collection method: clinical testing. Allele origin: germline.
Comment: This sequence change replaces isoleucine, which is neutral and non-polar, with valine, which is neutral and non-polar, at codon 248 of the TNFAIP3 protein (p.Ile248Val). This variant is present in population databases (rs587778711, gnomAD 0.01%). This variant has not been reported in the literature in individuals affected with TNFAIP3-related conditions. ClinVar contains an entry for this variant (Variation ID: 135336). Invitae Evidence Modeling of protein sequence and biophysical properties (such as structural, functional, and spatial information, amino acid conservation, physicochemical variation, residue mobility, and thermodynamic stability) indicates that this missense variant is not expected to disrupt TNFAIP3 protein function with a negative predictive value of 80%. In summary, the available evidence is currently insufficient to determine the role of this variant in disease. Therefore, it has been classified as a Variant of Uncertain Significance.

ARUP Laboratories, Molecular Genetics and Genomics, ARUP Laboratories
Classification: Uncertain significance for Autoinflammatory syndrome, familial, Behcet-like 1. Last evaluated: 2019-06-11. Review status: criteria provided, single submitter. Criteria: ARUP Molecular Germline Variant Investigation Process. Collection method: clinical testing. Allele origin: germline.
Comment: The TNFAIP3 c.742A>G; p.Ile248Val (rs587778711) variant, to our knowledge, is not reported in the medical literature or gene-specific databases. The variant is reported in the ClinVar database (Variation ID: 135336) and in the general population with an overall allele frequency of 0.006% (14/251446 alleles) in the Genome Aggregation Database. The amino acid at this position is highly conserved, but computational analyses (SIFT, PolyPhen-2) predict that this variant is tolerated. Due to limited information, the clinical significance of this variant is uncertain at this time.

ITMI
No classification provided. Condition: AllHighlyPenetrant. Last evaluated: 2013-09-19. Review status: no classification provided. Collection method: reference population. Allele origin: germline. Not counted in ClinVar's aggregate classification.
Comment: Please see associated publication for description of ethnicities

Literature cited by the submitters: PubMed 24728327 (cited by ITMI).